The following is an entry in ClinVar:

ClinVar aggregate classification (germline): Pathogenic (1 of 4 stars; one submission).

Conditions:
Donnai-Barrow syndrome. Also called: DBS/FOAR SYNDROME; FACIOOCULOACOUSTICORENAL SYNDROME. Identifiers: Orphanet 2143, MedGen C1857277, MONDO:0009104, OMIM 222448.

Submission:

Myriad Genetics, Inc.
Classification: Pathogenic for Donnai-Barrow syndrome. Last evaluated: 2024-07-05. Review status: criteria provided, single submitter. Criteria: Myriad Autosomal Dominant, Autosomal Recessive and X-Linked Classification Criteria (2023). Collection method: clinical testing. Allele origin: unknown.
Comment: NM_004525.2(LRP2):c.2613G>A(W871*) is expected to be pathogenic in the context of Donnai-Barrow syndrome. This variant is predicted to lead to an abnormal or absent protein product due to the creation of a premature termination codon in LRP2, a gene where loss-of-function variants are known to be pathogenic. Please note: this variant was assessed in the context of healthy population screening.

NM_004525.3(LRP2):c.2613G>A (p.Trp871Ter)

Gene: LRP2 (LDL receptor related protein 2; minus strand). Cytogenetic location: 2q31.1.
Variant type: single nucleotide variant.
Coding change: c.2613G>A on transcript NM_004525.3 (MANE Select); coding-DNA position 2613, G replaced by A.
Protein change: p.Trp871Ter; replaces tryptophan 871 with a stop codon.
Molecular consequence: nonsense.
Genome position (GRCh38, 1-based): chr2:169,257,150, C>T on the plus strand (G>A on the coding strand, the complement: LRP2 is on the minus strand). VCF-style: chr2-169257150-C-T. GRCh37 (hg19) VCF-style: chr2-170113660-C-T.
Other names: short protein forms W871*.
Identifiers: ClinVar variation 5013282 (VCV005013282.1).